The following is an entry in ClinVar:

NM_004385.5(VCAN):c.9491A>C (p.Gln3164Pro)

Genes: VCAN (versican; plus strand), VCAN-AS1 (VCAN antisense RNA 1; minus strand). Cytogenetic location: 5q14.3.
Variant type: single nucleotide variant.
Coding change: c.9491A>C on transcript NM_004385.5 (MANE Select); coding-DNA position 9491, A replaced by C.
Protein change: p.Gln3164Pro; replaces glutamine 3164 with proline.
Molecular consequence: missense variant.
Genome position (GRCh38, 1-based): chr5:83,548,082, A>C. VCF-style: chr5-83548082-A-C. GRCh37 (hg19) VCF-style: chr5-82843901-A-C.
Other names: c.1268A>C, p.Gln423Pro (NM_001126336.3); c.6530A>C, p.Gln2177Pro (NM_001164097.2); c.4229A>C, p.Gln1410Pro (NM_001164098.2); short protein forms Q1410P, Q3164P, Q2177P, Q423P.
Identifiers: ClinVar variation 2772793 (VCV002772793.3), dbSNP rs1045363794, ClinGen allele CA360297218.

ClinVar aggregate classification (germline): Uncertain significance (1 of 4 stars; one submission).

Submission:

Labcorp Genetics (formerly Invitae), Labcorp
Classification: Uncertain significance. Last evaluated: 2023-10-29. Review status: criteria provided, single submitter. Criteria: Invitae Variant Classification Sherloc (09022015). Collection method: clinical testing. Allele origin: germline.
Comment: This sequence change replaces glutamine, which is neutral and polar, with proline, which is neutral and non-polar, at codon 3164 of the VCAN protein (p.Gln3164Pro). This variant is not present in population databases (gnomAD no frequency). This variant has not been reported in the literature in individuals affected with VCAN-related conditions. An algorithm developed to predict the effect of missense changes on protein structure and function (PolyPhen-2) suggests that this variant is likely to be disruptive. In summary, the available evidence is currently insufficient to determine the role of this variant in disease. Therefore, it has been classified as a Variant of Uncertain Significance.